The following is an entry in ClinVar:

ClinVar aggregate classification (germline): Likely pathogenic (1 of 4 stars; one submission).

Conditions:
Charcot-Marie-Tooth disease type 4. Also called: Charcot-Marie-Tooth, Type 4; Charcot-Marie-Tooth disease, type IV. Identifiers: Orphanet 64749, MedGen C4082197, MONDO:0018995.

gnomAD v4.1: 1 of 1,613,990 alleles (0.000062%); no homozygotes.

Submission:

Labcorp Genetics (formerly Invitae), Labcorp
Classification: Likely pathogenic for Charcot-Marie-Tooth disease type 4. Last evaluated: 2023-10-04. Review status: criteria provided, single submitter. Criteria: Invitae Variant Classification Sherloc (09022015). Collection method: clinical testing. Allele origin: germline.
Comment: This sequence change affects an acceptor splice site in intron 3 of the FGD4 gene. It is expected to disrupt RNA splicing. Variants that disrupt the donor or acceptor splice site typically lead to a loss of protein function (PMID: 16199547), and loss-of-function variants in FGD4 are known to be pathogenic (PMID: 17564972). This variant is present in population databases (no rsID available, gnomAD 0.002%). This variant has not been reported in the literature in individuals affected with FGD4-related conditions. Algorithms developed to predict the effect of sequence changes on RNA splicing suggest that this variant may disrupt the consensus splice site. In summary, the currently available evidence indicates that the variant is pathogenic, but additional data are needed to prove that conclusively. Therefore, this variant has been classified as Likely Pathogenic.

Literature cited by the submitters: PubMed 16199547; PubMed 17564972.

NM_001370298.3(FGD4):c.504-2A>C

Gene: FGD4 (FYVE, RhoGEF and PH domain containing 4; plus strand). Cytogenetic location: 12p11.21.
Variant type: single nucleotide variant.
Coding change: c.504-2A>C on transcript NM_001370298.3 (MANE Select); the canonical splice acceptor site of the intron before coding-DNA position 504, A replaced by C.
Molecular consequence: splice acceptor variant. On other transcripts: intron variant (1).
Genome position (GRCh38, 1-based): chr12:32,581,958, A>C. VCF-style: chr12-32581958-A-C. GRCh37 (hg19) VCF-style: chr12-32734892-A-C.
Other names: c.504-2A>C (NM_001384126.1); c.348-2A>C (NM_001304481.2); c.-187-2A>C (NM_001330374.2, NM_001330373.2, NM_001384130.1); c.93-2A>C (NM_139241.3, NM_001384127.1, NM_001384131.1 and 3 more transcripts); c.-1059-2A>C (NM_001304484.2); c.49-16539A>C (NM_001370297.1); c.-752-2A>C (NM_001304483.2).
Identifiers: ClinVar variation 2827397 (VCV002827397.3), dbSNP rs1240797253, ClinGen allele CA384355491.